The following is an entry in ClinVar:

ClinVar aggregate classification (germline): Uncertain significance (1 of 4 stars; one submission).

Submission:

Labcorp Genetics (formerly Invitae), Labcorp
Classification: Uncertain significance. Last evaluated: 2023-10-22. Review status: criteria provided, single submitter. Criteria: Invitae Variant Classification Sherloc (09022015). Collection method: clinical testing. Allele origin: germline.
Comment: This sequence change replaces proline, which is neutral and non-polar, with leucine, which is neutral and non-polar, at codon 701 of the GRIN2D protein (p.Pro701Leu). This variant is not present in population databases (gnomAD no frequency). This variant has not been reported in the literature in individuals affected with GRIN2D-related conditions. Advanced modeling of protein sequence and biophysical properties (such as structural, functional, and spatial information, amino acid conservation, physicochemical variation, residue mobility, and thermodynamic stability) performed at Invitae indicates that this missense variant is expected to disrupt GRIN2D protein function. In summary, the available evidence is currently insufficient to determine the role of this variant in disease. Therefore, it has been classified as a Variant of Uncertain Significance.

NM_000836.4(GRIN2D):c.2102C>T (p.Pro701Leu)

Gene: GRIN2D (glutamate ionotropic receptor NMDA type subunit 2D; plus strand). Cytogenetic location: 19q13.33.
Variant type: single nucleotide variant.
Coding change: c.2102C>T on transcript NM_000836.4 (MANE Select); coding-DNA position 2102, C replaced by T.
Protein change: p.Pro701Leu; replaces proline 701 with leucine.
Molecular consequence: missense variant.
Genome position (GRCh38, 1-based): chr19:48,421,795, C>T. VCF-style: chr19-48421795-C-T. GRCh37 (hg19) VCF-style: chr19-48925052-C-T.
Other names: short protein forms P701L.
Identifiers: ClinVar variation 3002459 (VCV003002459.3), dbSNP rs2513676708, ClinGen allele CA406663662.